The following is an entry in ClinVar:

NM_000540.3(RYR1):c.4372C>T (p.Gln1458Ter)

Gene: RYR1 (ryanodine receptor 1; plus strand). Cytogenetic location: 19q13.2.
Variant type: single nucleotide variant.
Coding change: c.4372C>T on transcript NM_000540.3 (MANE Select); coding-DNA position 4372, C replaced by T.
Protein change: p.Gln1458Ter; replaces glutamine 1458 with a stop codon.
Molecular consequence: nonsense.
Genome position (GRCh38, 1-based): chr19:38,477,788, C>T. VCF-style: chr19-38477788-C-T. GRCh37 (hg19) VCF-style: chr19-38968428-C-T.
Other names: c.4372C>T, p.Gln1458Ter (NM_001042723.2); short protein forms Q1458*.
Identifiers: ClinVar variation 3642989 (VCV003642989.2).
Genomic context (GRCh38, chr19:38,477,788, plus strand): 5'-GTCTTTGCTGGACAGGAGCCCAGCTGCGTGTGGGCGGGCTGGGTCACCCCTGACTACCAT[C>T]AGCACGACATGAGCTTCGACCTCAGCAAGGTCCGGGTCGTGACGGTGACCATGGGGGATG-3'

ClinVar aggregate classification (germline): Pathogenic (1 of 4 stars; one submission).

Conditions:
RYR1-related disorder. Also called: RYR1-related condition; RYR1-related disorders. Identifiers: MedGen CN239331.

Submission:

Labcorp Genetics (formerly Invitae), Labcorp
Classification: Pathogenic for RYR1-related disorder. Last evaluated: 2024-05-28. Review status: criteria provided, single submitter. Criteria: Invitae Variant Classification Sherloc (09022015). Collection method: clinical testing. Allele origin: germline.
Comment: This sequence change creates a premature translational stop signal (p.Gln1458*) in the RYR1 gene. It is expected to result in an absent or disrupted protein product. Loss-of-function variants in RYR1 are known to be pathogenic (PMID: 23919265, 25960145, 28818389, 30611313). This variant is not present in population databases (gnomAD no frequency). This variant has not been reported in the literature in individuals affected with RYR1-related conditions. Algorithms developed to predict the effect of sequence changes on RNA splicing suggest that this variant may disrupt the consensus splice site. For these reasons, this variant has been classified as Pathogenic.

Literature cited by the submitters: PubMed 23919265; PubMed 25960145; PubMed 28818389; PubMed 30611313.